The following is an entry in ClinVar:

ClinVar aggregate classification (germline): Uncertain significance. Review status: criteria provided, multiple submitters, no conflicts (2 of 4 stars). 3 submissions from 3 submitters: Uncertain significance (3). Last evaluated 2025-10-12.

Conditions:
WNT2B-related disorder. Also called: WNT2B-related condition.

Submissions (3):

PreventionGenetics, part of Exact Sciences
Classification: Uncertain significance for WNT2B-related condition. Last evaluated: 2025-10-12. Review status: criteria provided, single submitter. Criteria: ACMG Guidelines, 2015. Collection method: clinical testing. Allele origin: germline.
Comment: The WNT2B c.35A>G variant is predicted to result in the amino acid substitution p.Gln12Arg. To our knowledge, this variant has not been reported in the literature. This variant is reported in 0.0064% of alleles in individuals of African descent in gnomAD. At this time, the clinical significance of this variant is uncertain due to the absence of conclusive functional and genetic evidence.

Ambry Genetics
Classification: Uncertain significance. Last evaluated: 2025-05-20. Review status: criteria provided, single submitter. Criteria: Ambry Variant Classification Scheme 2023. Collection method: clinical testing. Allele origin: germline.

Labcorp Genetics (formerly Invitae), Labcorp
Classification: Uncertain significance. Last evaluated: 2022-08-06. Review status: criteria provided, single submitter. Criteria: Invitae Variant Classification Sherloc (09022015). Collection method: clinical testing. Allele origin: germline.
Comment: This sequence change replaces glutamine, which is neutral and polar, with arginine, which is basic and polar, at codon 12 of the WNT2B protein (p.Gln12Arg). This variant is present in population databases (rs746337422, gnomAD 0.006%). This variant has not been reported in the literature in individuals affected with WNT2B-related conditions. Algorithms developed to predict the effect of missense changes on protein structure and function (SIFT, PolyPhen-2, Align-GVGD) all suggest that this variant is likely to be tolerated. In summary, the available evidence is currently insufficient to determine the role of this variant in disease. Therefore, it has been classified as a Variant of Uncertain Significance.

NM_024494.3(WNT2B):c.35A>G (p.Gln12Arg)

Genes: WNT2B (Wnt family member 2B; plus strand), LOC129931208 (ATAC-STARR-seq lymphoblastoid silent region 1200; plus strand). Cytogenetic location: 1p13.2.
Variant type: single nucleotide variant.
Coding change: c.35A>G on transcript NM_024494.3 (MANE Select); coding-DNA position 35, A replaced by G.
Protein change: p.Gln12Arg; replaces glutamine 12 with arginine.
Molecular consequence: missense variant. On other transcripts: intron variant (2).
Genome position (GRCh38, 1-based): chr1:112,509,297, A>G. VCF-style: chr1-112509297-A-G. GRCh37 (hg19) VCF-style: chr1-113051919-A-G.
Other names: c.35A>G (NM_024494.2); c.126-5577A>G (NM_004185.4); c.-94-5577A>G (NM_001291880.1); short protein forms Q12R.
Identifiers: ClinVar variation 1973414 (VCV001973414.4), dbSNP rs746337422, ClinGen allele CA28917229.